The following is an entry in ClinVar:

ClinVar aggregate classification (germline): Uncertain significance (1 of 4 stars; one submission).

Conditions:
Autoimmune lymphoproliferative syndrome type 1. Also called: AUTOIMMUNE LYMPHOPROLIFERATIVE SYNDROME, TYPE I, AUTOSOMAL DOMINANT. Identifiers: Orphanet 3261, MedGen C2717884, MONDO:0011158, OMIM 601859.

Submission:

Labcorp Genetics (formerly Invitae), Labcorp
Classification: Uncertain significance for Autoimmune lymphoproliferative syndrome. Last evaluated: 2021-11-04. Review status: criteria provided, single submitter. Criteria: Invitae Variant Classification Sherloc (09022015). Collection method: clinical testing. Allele origin: germline.
Comment: This missense change has been observed in individual(s) with primary immunodeficiency (PMID: 25502423). This variant is not present in population databases (gnomAD no frequency). This sequence change replaces glutamine, which is neutral and polar, with lysine, which is basic and polar, at codon 273 of the FAS protein (p.Gln273Lys). In summary, the available evidence is currently insufficient to determine the role of this variant in disease. Therefore, it has been classified as a Variant of Uncertain Significance. Algorithms developed to predict the effect of missense changes on protein structure and function output the following: SIFT: "Not Available"; PolyPhen-2: "Probably Damaging"; Align-GVGD: "Not Available". The lysine amino acid residue is found in multiple mammalian species, which suggests that this missense change does not adversely affect protein function.

Literature cited by the submitters: PubMed 25502423.

NM_000043.6(FAS):c.817C>A (p.Gln273Lys)

Gene: FAS (Fas cell surface death receptor; plus strand). Cytogenetic location: 10q23.31.
Variant type: single nucleotide variant.
Coding change: c.817C>A on transcript NM_000043.6 (MANE Select); coding-DNA position 817, C replaced by A.
Protein change: p.Gln273Lys; replaces glutamine 273 with lysine.
Molecular consequence: missense variant. On other transcripts: 3 prime UTR variant (2), non-coding transcript variant (7).
Genome position (GRCh38, 1-based): chr10:89,014,259, C>A. VCF-style: chr10-89014259-C-A. GRCh37 (hg19) VCF-style: chr10-90774016-C-A.
Other names: c.*140C>A (NM_001320619.2); c.754C>A, p.Gln252Lys (NM_152871.4); c.*129C>A (NM_152872.4); short protein forms Q273K, Q252K.
Identifiers: ClinVar variation 1406333 (VCV001406333.6), dbSNP rs121913077, ClinGen allele CA377509878.